The following is an entry in ClinVar:

NM_007294.4(BRCA1):c.5337A>G (p.Gln1779=)

Gene: BRCA1 (BRCA1 DNA repair associated; minus strand). Cytogenetic location: 17q21.31.
Variant type: single nucleotide variant.
Coding change: c.5337A>G on transcript NM_007294.4 (MANE Select); coding-DNA position 5337, A replaced by G.
Protein change: p.Gln1779=; no amino-acid change (glutamine 1779 retained).
Molecular consequence: synonymous variant. On other transcripts: intron variant (19).
Genome position (GRCh38, 1-based): chr17:43,049,190, T>C on the plus strand (A>G on the coding strand, the complement: BRCA1 is on the minus strand). VCF-style: chr17-43049190-T-C. GRCh37 (hg19) VCF-style: chr17-41201207-T-C.
Other names: c.5331A>G, p.Gln1777= (NM_001407636.1, NM_001407637.1, NM_001407638.1 and 13 more transcripts); c.5328A>G, p.Gln1776= (NM_001407644.1, NM_001407645.1); c.5325A>G, p.Gln1775= (NM_001407646.1); c.5322A>G, p.Gln1774= (NM_001407647.1); c.5280A>G, p.Gln1760= (NM_001407648.1); c.5277A>G, p.Gln1759= (NM_001407649.1); c.5259A>G, p.Gln1753= (NM_001407652.1, NM_001407653.1, NM_001407654.1 and 1 more transcripts); c.5256A>G, p.Gln1752= (NM_001407656.1, NM_001407657.1, NM_001407658.1); and 84 more.
Identifiers: ClinVar variation 232356 (VCV000232356.18), dbSNP rs876659718, ClinGen allele CA10580486.

ClinVar aggregate classification (germline): Likely benign. Review status: reviewed by expert panel (3 of 4 stars). 3 submissions from 3 submitters: Likely benign (1). 2 of the submissions do not count toward it. Last evaluated 2017-06-29.

Conditions:
Hereditary cancer-predisposing syndrome. Also called: Tumor predisposition; Hereditary Cancer Syndrome; Neoplastic Syndromes, Hereditary; Hereditary neoplastic syndrome. Identifiers: Orphanet 140162, MedGen C0027672, MeSH D009386, MONDO:0015356.
Hereditary breast ovarian cancer syndrome. Also called: Breast and ovarian cancer; Hereditary breast and ovarian cancer; Hereditary breast and ovarian cancer syndrome; Hereditary breast and/or ovarian cancer syndrome; BRCA1- and BRCA2-Associated Hereditary Breast and Ovarian Cancer; Hereditary breast and ovarian cancer syndrome (HBOC). Identifiers: Orphanet 145, MedGen C0677776, MeSH D061325, MONDO:0003582. Disease mechanism: loss of function.
Breast-ovarian cancer, familial, susceptibility to, 1 (BROVCA1). Also called: BRCA1 Hereditary Breast and Ovarian Cancer; OVARIAN CANCER, SUSCEPTIBILITY TO. Identifiers: Orphanet 145, MedGen C2676676, MONDO:0011450, OMIM 604370. Disease mechanism: loss of function.

Allele frequency attached by ClinVar (database versions not stated): gnomAD exomes below 0.00001.
gnomAD v4.1: 2 of 1,614,036 alleles (0.00012%); highest among the groups gnomAD compares: Non-Finnish European, 0.00017%; no homozygotes.

Submissions (4):

Evidence-based Network for the Interpretation of Germline Mutant Alleles (ENIGMA)
Classification: Likely benign for Breast-ovarian cancer, familial, susceptibility to, 1. Last evaluated: 2017-06-29. Review status: reviewed by expert panel. Criteria: ENIGMA BRCA1/2 Classification Criteria (2017-06-29). Collection method: curation. Allele origin: germline.
Comment: Synonymous substitution variant, with low bioinformatic likelihood to result in a splicing aberration (Splicing prior probability 0.02).

Labcorp Genetics (formerly Invitae), Labcorp
Classification: Likely benign for Hereditary breast ovarian cancer syndrome. Last evaluated: 2023-04-22. Review status: criteria provided, single submitter. Criteria: Invitae Variant Classification Sherloc (09022015). Collection method: clinical testing. Allele origin: germline. Not counted in ClinVar's aggregate classification.

Ambry Genetics
Classification: Likely benign for Hereditary cancer-predisposing syndrome. Last evaluated: 2023-04-21. Review status: criteria provided, single submitter. Criteria: Ambry Variant Classification Scheme 2023. Collection method: clinical testing. Allele origin: germline. Not counted in ClinVar's aggregate classification.

Brotman Baty Institute, University of Washington
No classification provided (evidence only). Condition: Breast-ovarian cancer, familial 1. Review status: no classification provided. Collection method: in vitro. Allele origin: not applicable. Functional consequence: functionally_normal. Not counted in ClinVar's aggregate classification.
ClinVar note: "not provided" was previously submitted as the classification for the variant. However, the classification appeared to be based only on an observation of functional data so it was converted to no classification on 2025-07-30.